The following is an entry in ClinVar:

NM_001005242.3(PKP2):c.1519G>A (p.Asp507Asn)

Gene: PKP2 (plakophilin 2; minus strand). Cytogenetic location: 12p11.21.
Variant type: single nucleotide variant.
Coding change: c.1519G>A on transcript NM_001005242.3 (MANE Select); coding-DNA position 1519, G replaced by A.
Protein change: p.Asp507Asn; replaces aspartic acid 507 with asparagine.
Molecular consequence: missense variant.
Genome position (GRCh38, 1-based): chr12:32,841,065, C>T on the plus strand (G>A on the coding strand, the complement: PKP2 is on the minus strand). VCF-style: chr12-32841065-C-T. GRCh37 (hg19) VCF-style: chr12-32993999-C-T.
Other names: c.1651G>A, p.Asp551Asn (NM_004572.4); short protein forms D551N, D507N.
Identifiers: ClinVar variation 629332 (VCV000629332.14), dbSNP rs763427502, ClinGen allele CA029875.

ClinVar aggregate classification (germline): Uncertain significance. Review status: criteria provided, multiple submitters, no conflicts (2 of 4 stars). 5 submissions from 5 submitters: Uncertain significance (5). Last evaluated 2024-04-16.

Conditions:
Cardiovascular phenotype. Identifiers: MedGen CN230736.
Cardiomyopathy (CMYO). Also called: Cardiomyopathies. Identifiers: Orphanet 167848, MedGen C0878544, MONDO:0004994, HP:0001638. Inheritance: Various modes of inheritance.
Arrhythmogenic right ventricular cardiomyopathy (ARVD). Also called: Arrhythmogenic cardiomyopathy; Cardiomyopathy, ARVC; Arrhythmogenic right ventricular dysplasia; Arrhythmogenic Right Ventricular Cardiomyopathy (ARVC). Identifiers: Orphanet 247, MedGen C0349788, MeSH D019571, MONDO:0016587. Disease mechanism: loss of function. Inheritance: Various modes of inheritance.
Arrhythmogenic right ventricular dysplasia 9 (ARVD9). Also called: Arrhythmogenic Right Ventricular Dysplasia/Cardiomyopathy 9; ARRHYTHMOGENIC RIGHT VENTRICULAR DYSPLASIA, FAMILIAL, 9. Identifiers: MedGen C1836906, MONDO:0012180, OMIM 609040.

Allele frequency attached by ClinVar (database versions not stated): TOPMed below 0.00001; gnomAD exomes 0.00001 and 0.00003; ExAC 0.00003; gnomAD 0.00003.
gnomAD v4.1: 18 of 1,613,808 alleles (0.0011%); highest among the groups gnomAD compares: South Asian, 0.012%; no homozygotes.

Submissions (5):

All of Us Research Program, National Institutes of Health
Classification: Uncertain significance for Arrhythmogenic right ventricular cardiomyopathy. Last evaluated: 2024-04-16. Review status: criteria provided, single submitter. Criteria: ACMG Guidelines, 2015. Collection method: clinical testing. Allele origin: germline. Inheritance: Autosomal dominant inheritance. Observed: 2 variant alleles, 2 heterozygotes.
Comment: This missense variant replaces aspartic acid with asparagine at codon 551 of the PKP2 protein. Computational prediction suggests that this variant may not impact protein structure and function (internally defined REVEL score threshold <= 0.5, PMID: 27666373). To our knowledge, functional studies have not been reported for this variant. This variant has not been reported in individuals affected with cardiovascular disorders in the literature. This variant has been identified in 8/282632 chromosomes in the general population by the Genome Aggregation Database (gnomAD). The available evidence is insufficient to determine the role of this variant in disease conclusively. Therefore, this variant is classified as a Variant of Uncertain Significance.

This study involves interpretation of variants in research participants for the purpose of population health screening. Participant phenotype was not available at the time of variant classification. Additional details can be found in publication PMID: 35346344, PMCID: PMC8962531

Color Diagnostics, LLC DBA Color Health
Classification: Uncertain significance for Cardiomyopathy. Last evaluated: 2024-03-06. Review status: criteria provided, single submitter. Criteria: ACMG Guidelines, 2015. Collection method: clinical testing. Allele origin: germline.
Comment: This missense variant replaces aspartic acid with asparagine at codon 551 of the PKP2 protein. Computational prediction suggests that this variant may not impact protein structure and function (internally defined REVEL score threshold <= 0.5, PMID: 27666373). To our knowledge, functional studies have not been reported for this variant. This variant has not been reported in individuals affected with cardiovascular disorders in the literature. This variant has been identified in 8/282632 chromosomes in the general population by the Genome Aggregation Database (gnomAD). The available evidence is insufficient to determine the role of this variant in disease conclusively. Therefore, this variant is classified as a Variant of Uncertain Significance.

Ambry Genetics
Classification: Uncertain significance for Cardiovascular phenotype. Last evaluated: 2022-10-27. Review status: criteria provided, single submitter. Criteria: Ambry Variant Classification Scheme 2023. Collection method: clinical testing. Allele origin: germline.
Comment: The p.D551N variant (also known as c.1651G>A), located in coding exon 7 of the PKP2 gene, results from a G to A substitution at nucleotide position 1651. The aspartic acid at codon 551 is replaced by asparagine, an amino acid with highly similar properties. This amino acid position is conserved. In addition, this alteration is predicted to be tolerated by in silico analysis. Since supporting evidence is limited at this time, the clinical significance of this alteration remains unclear.

Labcorp Genetics (formerly Invitae), Labcorp
Classification: Uncertain significance for Arrhythmogenic right ventricular dysplasia 9. Last evaluated: 2022-10-01. Review status: criteria provided, single submitter. Criteria: Invitae Variant Classification Sherloc (09022015). Collection method: clinical testing. Allele origin: germline.
Comment: This sequence change replaces aspartic acid, which is acidic and polar, with asparagine, which is neutral and polar, at codon 551 of the PKP2 protein (p.Asp551Asn). In summary, the available evidence is currently insufficient to determine the role of this variant in disease. Therefore, it has been classified as a Variant of Uncertain Significance. Algorithms developed to predict the effect of missense changes on protein structure and function are either unavailable or do not agree on the potential impact of this missense change (SIFT: "Deleterious"; PolyPhen-2: "Probably Damaging"; Align-GVGD: "Class C15"). ClinVar contains an entry for this variant (Variation ID: 629332). This variant has not been reported in the literature in individuals affected with PKP2-related conditions. This variant is present in population databases (rs763427502, gnomAD 0.02%).

Fulgent Genetics
Classification: Uncertain significance for Arrhythmogenic right ventricular dysplasia 9. Last evaluated: 2021-11-05. Review status: criteria provided, single submitter. Criteria: ACMG Guidelines, 2015. Collection method: clinical testing. Allele origin: unknown.